The following is an entry in ClinVar:

ClinVar aggregate classification (germline): Uncertain significance (1 of 4 stars; one submission).

Conditions:
Hereditary spastic paraplegia 11. Also called: SPASTIC PARAPLEGIA, AUTOSOMAL RECESSIVE, COMPLICATED, WITH THIN CORPUS CALLOSUM; SPASTIC PARAPLEGIA, AUTOSOMAL RECESSIVE, WITH MENTAL IMPAIRMENT AND THIN CORPUS CALLOSUM; Spastic Paraplegia 11; Nakamura Osame syndrome; Autosomal recessive hereditary spastic paraplegia, mental impairment, and thin corpus callosum; Spastic paraplegia, mental retardation and thin corpus callosum. Identifiers: Orphanet 2822, MedGen C1858479, MONDO:0011445, OMIM 604360.

Submission:

Labcorp Genetics (formerly Invitae), Labcorp
Classification: Uncertain significance for Hereditary spastic paraplegia 11. Last evaluated: 2021-11-24. Review status: criteria provided, single submitter. Criteria: Invitae Variant Classification Sherloc (09022015). Collection method: clinical testing. Allele origin: germline.
Comment: In summary, the available evidence is currently insufficient to determine the role of this variant in disease. Therefore, it has been classified as a Variant of Uncertain Significance. Algorithms developed to predict the effect of missense changes on protein structure and function output the following: SIFT: "Tolerated"; PolyPhen-2: "Benign"; Align-GVGD: "Class C0". The histidine amino acid residue is found in multiple mammalian species, which suggests that this missense change does not adversely affect protein function. This variant has not been reported in the literature in individuals affected with SPG11-related conditions. This variant is present in population databases (rs770643416, gnomAD 0.0009%). This sequence change replaces glutamine, which is neutral and polar, with histidine, which is basic and polar, at codon 2260 of the SPG11 protein (p.Gln2260His).

NM_025137.4(SPG11):c.6780G>C (p.Gln2260His)

Gene: SPG11 (SPG11 vesicle trafficking associated, spatacsin; minus strand). Cytogenetic location: 15q21.1.
Variant type: single nucleotide variant.
Coding change: c.6780G>C on transcript NM_025137.4 (MANE Select); coding-DNA position 6780, G replaced by C.
Protein change: p.Gln2260His; replaces glutamine 2260 with histidine.
Molecular consequence: missense variant.
Genome position (GRCh38, 1-based): chr15:44,566,280, C>G on the plus strand (G>C on the coding strand, the complement: SPG11 is on the minus strand). VCF-style: chr15-44566280-C-G. GRCh37 (hg19) VCF-style: chr15-44858478-C-G.
Other names: c.6441G>C, p.Gln2147His (NM_001160227.2); short protein forms Q2147H, Q2260H.
Identifiers: ClinVar variation 1353374 (VCV001353374.4), dbSNP rs770643416, ClinGen allele CA7534003.